The following is an entry in ClinVar:

NM_001378183.1(PIEZO2):c.5130C>T (p.Thr1710=)

Gene: PIEZO2 (piezo type mechanosensitive ion channel component 2; minus strand). Cytogenetic location: 18p11.22.
Variant type: single nucleotide variant.
Coding change: c.5130C>T on transcript NM_001378183.1 (MANE Select); coding-DNA position 5130, C replaced by T.
Protein change: p.Thr1710=; no amino-acid change (threonine 1710 retained).
Molecular consequence: synonymous variant.
Genome position (GRCh38, 1-based): chr18:10,715,776, G>A on the plus strand (C>T on the coding strand, the complement: PIEZO2 is on the minus strand). VCF-style: chr18-10715776-G-A. GRCh37 (hg19) VCF-style: chr18-10715774-G-A.
Other names: c.5031C>T, p.Thr1677= (NM_001410871.1); c.4956C>T, p.Thr1652= (NM_022068.4).
Identifiers: ClinVar variation 3047046 (VCV003047046.2), dbSNP rs767427143, ClinGen allele CA8892354.

ClinVar aggregate classification (germline): Likely benign (0 of 4 stars; one submission).

Conditions:
PIEZO2-related disorder. Also called: PIEZO2-related disorders; PIEZO2-related condition.

Allele frequency attached by ClinVar (database versions not stated): TOPMed below 0.00001; gnomAD 0.00002; gnomAD exomes 0.00004; ExAC 0.00047.
gnomAD v4.1: 58 of 1,533,530 alleles (0.0038%); highest among the groups gnomAD compares: South Asian, 0.067%; no homozygotes.

Submission:

PreventionGenetics, part of Exact Sciences
Classification: Likely benign for PIEZO2-related condition. Last evaluated: 2019-04-08. Review status: no assertion criteria provided. Collection method: clinical testing. Allele origin: germline.
Comment: This variant is classified as likely benign based on ACMG/AMP sequence variant interpretation guidelines (Richards et al. 2015 PMID: 25741868, with internal and published modifications).